The following is an entry in ClinVar:

ClinVar aggregate classification (germline): Uncertain significance (1 of 4 stars; one submission).

Conditions:
Cholestanol storage disease (CTX). Also called: CEREBRAL CHOLESTERINOSIS; CTX: Cerebrotendinous xanthomatosis; Cerebrotendinous Xanthomatosis. Identifiers: Orphanet 909, MedGen C0238052, MONDO:0008948, OMIM 213700.

Submission:

Labcorp Genetics (formerly Invitae), Labcorp
Classification: Uncertain significance for Cholestanol storage disease. Last evaluated: 2022-08-21. Review status: criteria provided, single submitter. Criteria: Invitae Variant Classification Sherloc (09022015). Collection method: clinical testing. Allele origin: germline.
Comment: This sequence change replaces arginine, which is basic and polar, with proline, which is neutral and non-polar, at codon 62 of the CYP27A1 protein (p.Arg62Pro). This variant is not present in population databases (gnomAD no frequency). This variant has not been reported in the literature in individuals affected with CYP27A1-related conditions. Advanced modeling of protein sequence and biophysical properties (such as structural, functional, and spatial information, amino acid conservation, physicochemical variation, residue mobility, and thermodynamic stability) performed at Invitae indicates that this missense variant is not expected to disrupt CYP27A1 protein function. In summary, the available evidence is currently insufficient to determine the role of this variant in disease. Therefore, it has been classified as a Variant of Uncertain Significance.

NM_000784.4(CYP27A1):c.185G>C (p.Arg62Pro)

Gene: CYP27A1 (cytochrome P450 family 27 subfamily A member 1; plus strand). Cytogenetic location: 2q35.
Variant type: single nucleotide variant.
Coding change: c.185G>C on transcript NM_000784.4 (MANE Select); coding-DNA position 185, G replaced by C.
Protein change: p.Arg62Pro; replaces arginine 62 with proline.
Molecular consequence: missense variant.
Genome position (GRCh38, 1-based): chr2:218,782,367, G>C. VCF-style: chr2-218782367-G-C. GRCh37 (hg19) VCF-style: chr2-219647090-G-C.
Other names: short protein forms R62P.
Identifiers: ClinVar variation 2421161 (VCV002421161.3), dbSNP rs781157413, ClinGen allele CA350576493.